The following is an entry in ClinVar:

ClinVar aggregate classification (germline): Pathogenic (1 of 4 stars; one submission).

Conditions:
Bardet-Biedl syndrome (BBS). Identifiers: Orphanet 110, MedGen C0752166, MONDO:0015229.

Submission:

Labcorp Genetics (formerly Invitae), Labcorp
Classification: Pathogenic for Bardet-Biedl syndrome. Last evaluated: 2022-07-19. Review status: criteria provided, single submitter. Criteria: Invitae Variant Classification Sherloc (09022015). Collection method: clinical testing. Allele origin: germline.
Comment: For these reasons, this variant has been classified as Pathogenic. This variant has not been reported in the literature in individuals affected with WDPCP-related conditions. This variant is a gross deletion of the genomic region encompassing exon(s) 13 of the WDPCP gene. This deletion is out-of-frame, and is expected to create a premature termination codon and result in an absent or disrupted protein product. Loss-of-function variants in WDPCP are known to be pathogenic (PMID: 20671153, 25427950, 27158779).

Literature cited by the submitters: PubMed 20671153; PubMed 25427950; PubMed 27158779.

NC_000002.11:g.(?_63540363)_(63540466_?)del

Gene: WDPCP (WD repeat containing planar cell polarity effector; minus strand). Cytogenetic location: 2p15.
Variant type: Deletion.
Identifiers: ClinVar variation 1459914 (VCV001459914.5).